The following is an entry in ClinVar:

ClinVar aggregate classification (germline): Uncertain significance. Review status: criteria provided, multiple submitters, no conflicts (2 of 4 stars). 4 submissions from 4 submitters: Uncertain significance (3). 1 of the submissions does not count toward it. Last evaluated 2025-06-27.

Conditions:
Hereditary cancer-predisposing syndrome. Also called: Hereditary neoplastic syndrome; Neoplastic Syndromes, Hereditary; Tumor predisposition; Hereditary Cancer Syndrome. Identifiers: Orphanet 140162, MedGen C0027672, MeSH D009386, MONDO:0015356.
Ataxia-telangiectasia syndrome (AT). Also called: LOUIS-BAR SYNDROME; Cerebello-oculocutaneous telangiectasia; Immunodeficiency with ataxia telangiectasia; AT, COMPLEMENTATION GROUP C; Ataxia-telangiectasia, complementation group D; ATAXIA-TELANGIECTASIA, COMPLEMENTATION GROUP A. Identifiers: Orphanet 100, MedGen C0004135, MONDO:0008840, OMIM 208900.

Allele frequency attached by ClinVar (database versions not stated): gnomAD exomes below 0.00001 and 0.00001; TOPMed below 0.00001.
gnomAD v4.1: 2 of 1,607,486 alleles (0.00012%); highest among the groups gnomAD compares: Admixed American, 0.0033%; no homozygotes.

Submissions (4):

Labcorp Genetics (formerly Invitae), Labcorp
Classification: Uncertain significance for Ataxia-telangiectasia syndrome. Last evaluated: 2025-06-27. Review status: criteria provided, single submitter. Criteria: Invitae Variant Classification Sherloc (09022015). Collection method: clinical testing. Allele origin: germline.
Comment: This sequence change replaces lysine, which is basic and polar, with threonine, which is neutral and polar, at codon 296 of the ATM protein (p.Lys296Thr). This variant is present in population databases (no rsID available, gnomAD 0.006%). This variant has not been reported in the literature in individuals affected with ATM-related conditions. ClinVar contains an entry for this variant (Variation ID: 482756). Invitae Evidence Modeling of protein sequence and biophysical properties (such as structural, functional, and spatial information, amino acid conservation, physicochemical variation, residue mobility, and thermodynamic stability) indicates that this missense variant is not expected to disrupt ATM protein function with a negative predictive value of 95%. In summary, the available evidence is currently insufficient to determine the role of this variant in disease. Therefore, it has been classified as a Variant of Uncertain Significance.

Ambry Genetics
Classification: Uncertain significance for Hereditary cancer-predisposing syndrome. Last evaluated: 2024-04-28. Review status: criteria provided, single submitter. Criteria: Ambry Variant Classification Scheme 2023. Collection method: clinical testing. Allele origin: germline.
Comment: The p.K296T variant (also known as c.887A>C), located in coding exon 6 of the ATM gene, results from an A to C substitution at nucleotide position 887. The lysine at codon 296 is replaced by threonine, an amino acid with similar properties. This amino acid position is well conserved in available vertebrate species. In addition, this alteration is predicted to be tolerated by in silico analysis. Since supporting evidence is limited at this time, the clinical significance of this alteration remains unclear.

Color Diagnostics, LLC DBA Color Health
Classification: Uncertain significance for Hereditary cancer-predisposing syndrome. Last evaluated: 2024-02-06. Review status: criteria provided, single submitter. Criteria: ACMG Guidelines, 2015. Collection method: clinical testing. Allele origin: germline.
Comment: This missense variant replaces lysine with threonine at codon 296 of the ATM protein. Computational prediction suggests that this variant may not impact protein structure and function. To our knowledge, functional studies have not been reported for this variant. This variant has not been reported in individuals affected with ATM-related disorders in the literature. This variant has been identified in 2/246998 chromosomes in the general population by the Genome Aggregation Database (gnomAD). The available evidence is insufficient to determine the role of this variant in disease conclusively. Therefore, this variant is classified as a Variant of Uncertain Significance.

Natera, Inc.
Classification: Uncertain significance for Ataxia-telangiectasia. Last evaluated: 2019-10-28. Review status: no assertion criteria provided. Collection method: clinical testing. Allele origin: germline. Not counted in ClinVar's aggregate classification.

NM_000051.4(ATM):c.887A>C (p.Lys296Thr)

Gene: ATM (ATM serine/threonine kinase; plus strand). Cytogenetic location: 11q22.3.
Variant type: single nucleotide variant.
Coding change: c.887A>C on transcript NM_000051.4 (MANE Select); coding-DNA position 887, A replaced by C.
Protein change: p.Lys296Thr; replaces lysine 296 with threonine.
Molecular consequence: missense variant.
Genome position (GRCh38, 1-based): chr11:108,245,012, A>C. VCF-style: chr11-108245012-A-C. GRCh37 (hg19) VCF-style: chr11-108115739-A-C.
Other names: c.887A>C, p.Lys296Thr (NM_001351834.2); short protein forms K296T.
Identifiers: ClinVar variation 482756 (VCV000482756.20), dbSNP rs1064795297, ClinGen allele CA382529598.